The following is an entry in ClinVar:

ClinVar aggregate classification (germline): Conflicting classifications of pathogenicity. Review status: criteria provided, conflicting classifications (1 of 4 stars). 2 submissions from 2 submitters: Uncertain significance (1); Benign (1). Last evaluated 2022-07-11.

Conditions:
Brain small vessel disease 1 with or without ocular anomalies (BSVD1). Also called: GOULD SYNDROME 1; PORENCEPHALY, TYPE 1, AUTOSOMAL DOMINANT; Brain small vessel disease with or without ocular anomalies; BRAIN SMALL VESSEL DISEASE WITH HEMORRHAGE. Identifiers: Orphanet 2940, Orphanet 36383, Orphanet 99810, MedGen C4755307, MONDO:0008289, OMIM 175780.

gnomAD v4.1: 1 of 1,612,690 alleles (0.000062%); highest among the groups gnomAD compares: Non-Finnish European, 0.000085%; no homozygotes.

Submissions (2):

Labcorp Genetics (formerly Invitae), Labcorp
Classification: Uncertain significance. Last evaluated: 2022-07-11. Review status: criteria provided, single submitter. Criteria: Invitae Variant Classification Sherloc (09022015). Collection method: clinical testing. Allele origin: germline.
Comment: In summary, the available evidence is currently insufficient to determine the role of this variant in disease. Therefore, it has been classified as a Variant of Uncertain Significance. Advanced modeling of protein sequence and biophysical properties (such as structural, functional, and spatial information, amino acid conservation, physicochemical variation, residue mobility, and thermodynamic stability) performed at Invitae indicates that this missense variant is not expected to disrupt COL4A1 protein function. ClinVar contains an entry for this variant (Variation ID: 931171). This variant has not been reported in the literature in individuals affected with COL4A1-related conditions. This variant is not present in population databases (gnomAD no frequency). This sequence change replaces proline, which is neutral and non-polar, with alanine, which is neutral and non-polar, at codon 695 of the COL4A1 protein (p.Pro695Ala).

Centre for Mendelian Genomics, University Medical Centre Ljubljana
Classification: Benign for Brain small vessel disease 1 with or without ocular anomalies. Last evaluated: 2016-01-01. Review status: criteria provided, single submitter. Criteria: ACMG Guidelines, 2015. Collection method: clinical testing. Allele origin: unknown. Affected: yes.
Comment: This variant was classified as: Benign.

NM_001845.6(COL4A1):c.2083C>G (p.Pro695Ala)

Gene: COL4A1 (collagen type IV alpha 1 chain; minus strand). Cytogenetic location: 13q34.
Variant type: single nucleotide variant.
Coding change: c.2083C>G on transcript NM_001845.6 (MANE Select); coding-DNA position 2083, C replaced by G.
Protein change: p.Pro695Ala; replaces proline 695 with alanine.
Molecular consequence: missense variant.
Genome position (GRCh38, 1-based): chr13:110,183,005, G>C on the plus strand (C>G on the coding strand, the complement: COL4A1 is on the minus strand). VCF-style: chr13-110183005-G-C. GRCh37 (hg19) VCF-style: chr13-110835352-G-C.
Other names: short protein forms P695A.
Identifiers: ClinVar variation 931171 (VCV000931171.10), dbSNP rs1878244032, ClinGen allele CA388669067.